The following is an entry in ClinVar:

NM_001377265.1(MAPT):c.1366A>G (p.Lys456Glu)

Gene: MAPT (microtubule associated protein tau). Cytogenetic location: 17q21.31.
Variant type: single nucleotide variant.
Coding change: c.1366A>G on transcript NM_001377265.1 (MANE Select); coding-DNA position 1366, A replaced by G.
Protein change: p.Lys456Glu; replaces lysine 456 with glutamic acid.
Molecular consequence: missense variant. On other transcripts: non-coding transcript variant (1).
Genome position (GRCh38, 1-based): chr17:45,987,054, A>G. VCF-style: chr17-45987054-A-G. GRCh37 (hg19) VCF-style: chr17-44064420-A-G.
Other names: c.1141A>G, p.Lys381Glu (NM_001123066.4, NM_016835.5); c.301A>G, p.Lys101Glu (NM_001123067.4, NM_001203251.2, NM_001377267.1); c.388A>G, p.Lys130Glu (NM_001203252.2, NM_005910.6); c.1366A>G, p.Lys456Glu (NM_001377266.1); c.214A>G, p.Lys72Glu (NM_001377268.1, NM_016834.5, NM_016841.5); short protein forms K130E, K101E, K381E, K456E, K72E.
Identifiers: ClinVar variation 1432044 (VCV001432044.7), dbSNP rs762213614, ClinGen allele CA8617866.

ClinVar aggregate classification (germline): Uncertain significance. Review status: criteria provided, multiple submitters, no conflicts (2 of 4 stars). 2 submissions from 2 submitters: Uncertain significance (2). Last evaluated 2024-06-05.

Conditions:
Frontotemporal dementia (FTD1). Also called: MULTIPLE SYSTEM TAUOPATHY WITH PRESENILE DEMENTIA; WILHELMSEN-LYNCH DISEASE; FRONTOTEMPORAL LOBAR DEGENERATION WITH TAU INCLUSIONS; FTLD WITH TAU INCLUSIONS; Dementia, frontotemporal, with or without parkinsonism; Frontotemporal Dementia with Parkinsonism-17 (FTDP-17). Identifiers: Orphanet 282, MedGen C0338451, MONDO:0017276, OMIM 600274, HP:0002145.
Supranuclear palsy, progressive, 1 (PSNP1). Also called: STEELE-RICHARDSON-OLSZEWSKI SYNDROME. Identifiers: Orphanet 240071, MedGen C4551863, MONDO:0010997, OMIM 601104.

Allele frequency attached by ClinVar (database versions not stated): gnomAD exomes below 0.00001 and 0.00002; ExAC 0.00001; gnomAD 0.00001; TOPMed 0.00002.
gnomAD v4.1: 38 of 1,614,036 alleles (0.0024%); highest among the groups gnomAD compares: Middle Eastern, 0.033%; no homozygotes.

Submissions (2):

Kariminejad - Najmabadi Pathology & Genetics Center
Classification: Uncertain significance for Supranuclear palsy, progressive, 1; Frontotemporal dementia. Last evaluated: 2024-06-05. Review status: criteria provided, single submitter. Criteria: ACMG Guidelines, 2015. Collection method: clinical testing. Allele origin: germline. Inheritance: Autosomal dominant inheritance. Affected: yes.
Comment: PM2

Labcorp Genetics (formerly Invitae), Labcorp
Classification: Uncertain significance for Frontotemporal dementia. Last evaluated: 2022-01-26. Review status: criteria provided, single submitter. Criteria: Invitae Variant Classification Sherloc (09022015). Collection method: clinical testing. Allele origin: germline.
Comment: This variant is present in population databases (rs762213614, gnomAD 0.002%). This sequence change replaces lysine, which is basic and polar, with glutamic acid, which is acidic and polar, at codon 130 of the MAPT protein (p.Lys130Glu). This variant has not been reported in the literature in individuals affected with MAPT-related conditions. In summary, the available evidence is currently insufficient to determine the role of this variant in disease. Therefore, it has been classified as a Variant of Uncertain Significance. Algorithms developed to predict the effect of missense changes on protein structure and function are either unavailable or do not agree on the potential impact of this missense change (SIFT: "Tolerated"; PolyPhen-2: "Possibly Damaging"; Align-GVGD: "Class C0").